The following is an entry in ClinVar:

ClinVar aggregate classification (germline): Likely pathogenic. Review status: reviewed by expert panel (3 of 4 stars). 5 submissions from 5 submitters: Likely pathogenic (1). 4 of the submissions do not count toward it. Last evaluated 2024-09-17.

Conditions:
MAP2K1-related disorder. Also called: MAP2K1-related disorders; MAP2K1-related condition.
Cardiofaciocutaneous syndrome 3 (CFC3). Also called: MAP2K1-Related Cardiofaciocutaneous Syndrome. Identifiers: Orphanet 1340, MedGen C3809006, MONDO:0014113, OMIM 615279.
RASopathy. Also called: rasopathies; Noonan spectrum disorder. Identifiers: Orphanet 536391, MedGen C5555857, MONDO:0021060.
Cardio-facio-cutaneous syndrome. Also called: Cardiofaciocutaneous syndrome; CFC syndrome. Identifiers: Orphanet 1340, MedGen C1275081, MONDO:0015280. Disease mechanism: gain of function.

Submissions (5):

ClinGen RASopathy Variant Curation Expert Panel
Classification: Likely pathogenic for RASopathy. Last evaluated: 2024-09-17. Review status: reviewed by expert panel. Criteria: ClinGen RASopathy ACMG Specifications MAP2K1 V2.1.0. Collection method: curation. Allele origin: germline. Inheritance: Autosomal dominant inheritance.
Comment: The c.158T>C variant in the MAP2K1 gene is a missense variant predicted to cause substitution of phenylalanine by serine at amino acid 53 (p.Phe53Ser). This variant is absent from gnomAD v4.1.0 (PM2_Supporting). The computational predictor REVEL gives a score of 0.938 (PP3). The variant is located in the MAP2K1 gene, which has been defined by the ClinGen RASopathy Expert Panel as a gene with a low rate of benign missense variants and pathogenic missense variants are common (PP2). Furthermore, the variant is in a location, analogous to MEK2 F57 residue, that has been defined by the ClinGen RASopathy Expert Panel functional domain of MAP2K1 (PM1). This variant has been reported in the literature in 4 individuals with clinical features of RASopathy with 1 unconfirmed de novo occurrence (PS4_Moderate, PM6_Supporting; PMIDs: 16439621, 18039235, 21062266, 30141192). ERK/MAPK phosphorylation assays showed that this variant led to significantly increased phosphorylation compared to wildtype (PS3_Moderate; PMID: 16439621, 17981815). In summary, this variant meets criteria to be classified as likely pathogenic for autosomal dominant RASopathies based on ACMG/AMP criteria applied, as specified by the ClinGen RASopathy Variant Curation Expert Panel: PS3_Moderate, PS4_Moderate, PM1, PM2_Supporting, PM6_Supporting, PP2, PP3 (Specification Version 2.1, 9/17/2024)

Blueprint Genetics
Classification: Pathogenic for MAP2K1-related disorders. Last evaluated: 2023-03-01. Review status: criteria provided, single submitter. Criteria: ACMG Guidelines, 2015. Collection method: clinical testing. Allele origin: germline. Affected: yes. Observed: 1 variant allele. Not counted in ClinVar's aggregate classification.

Women's Health and Genetics/Laboratory Corporation of America, LabCorp
Classification: Pathogenic for Cardio-facio-cutaneous syndrome. Last evaluated: 2022-01-02. Review status: criteria provided, single submitter. Criteria: LabCorp Variant Classification Summary - May 2015. Collection method: clinical testing. Allele origin: germline. Not counted in ClinVar's aggregate classification.
Comment: Variant summary: MAP2K1 c.158T>C (p.Phe53Ser) results in a non-conservative amino acid change in the encoded protein sequence. Four of five in-silico tools predict a damaging effect of the variant on protein function. The variant was absent in 251374 control chromosomes. c.158T>C has been reported in the literature in individuals affected with Cardiofaciocutaneous Syndrome (example, Rodrigues-Viciana_2006, Yoon_2007, Siegel_2011, Bessis_2019). These data indicate that the variant is likely to be associated with disease. At least one publication reports experimental evidence evaluating an impact on protein function. The most pronounced variant effect results in significant stimulation of ERK phosphorylation relative to the wild-type control (example, Rodriguez-Viciana_2008). One clinical diagnostic laboratory and an expert panel (ClinGen RASopathy Variant Curation Expert Panel) have submitted clinical-significance assessments for this variant to ClinVar after 2014 without evidence for independent evaluation. Both submitters classified the variant as pathogenic. Based on the evidence outlined above, the variant was classified as pathogenic.

GeneDx
Classification: Pathogenic. Last evaluated: 2016-06-02. Review status: criteria provided, single submitter. Criteria: GeneDx Variant Classification (06012015). Collection method: clinical testing. Allele origin: germline. Affected: yes. Not counted in ClinVar's aggregate classification.
Comment: The F53S variant in the MAP2K1 gene has been published previously as de novo in a patient with cardio-facio-cutaneous syndrome (Rodriguez-Viciana et al., 2006). The variant was not observed in approximately 6,500 individuals of European and African American ancestry in the NHLBI Exome Sequencing Project, indicating it is not a common benign variant in these populations. F53S is a non-conservative amino acid substitution, which is likely to impact secondary protein structure as these residues differ in polarity, charge, size and/or other properties. This substitution occurs at a position that is conserved across species. Functional studies have shown that F53S results in increased phosphorylation of ERK (Rodriguez-Viciana et al., 2008). Additionally, the F53 residue is analagous to the F57 residue in MEK2, which is a known hotspot for variants (Rodriguez-Viciana et al., 2008). Therefore, we consider this variant to be pathogenic.

OMIM
Classification: Pathogenic for CARDIOFACIOCUTANEOUS SYNDROME 3. Last evaluated: 2008-02-01. Review status: no assertion criteria provided. Collection method: literature only. Allele origin: germline. Not counted in ClinVar's aggregate classification.

Literature cited by the submitters: PubMed 18413255 (cited by Women's Health and Genetics/Laboratory Corporation of America, LabCorp); PubMed 16439621 (cited by Women's Health and Genetics/Laboratory Corporation of America, LabCorp and OMIM); PubMed 18039235 (cited by Women's Health and Genetics/Laboratory Corporation of America, LabCorp); PubMed 30141192 (cited by Women's Health and Genetics/Laboratory Corporation of America, LabCorp); PubMed 31972311 (cited by Women's Health and Genetics/Laboratory Corporation of America, LabCorp); PubMed 25423878 (cited by Women's Health and Genetics/Laboratory Corporation of America, LabCorp); PubMed 21062266 (cited by Women's Health and Genetics/Laboratory Corporation of America, LabCorp); PubMed 17981815 (cited by OMIM).

NM_002755.4(MAP2K1):c.158T>C (p.Phe53Ser)

Gene: MAP2K1 (mitogen-activated protein kinase kinase 1; plus strand). Cytogenetic location: 15q22.31.
Variant type: single nucleotide variant.
Coding change: c.158T>C on transcript NM_002755.4 (MANE Select); coding-DNA position 158, T replaced by C.
Protein change: p.Phe53Ser; replaces phenylalanine 53 with serine.
Molecular consequence: missense variant.
Genome position (GRCh38, 1-based): chr15:66,435,104, T>C. VCF-style: chr15-66435104-T-C. GRCh37 (hg19) VCF-style: chr15-66727442-T-C.
Other names: p.F53S:TTT>TCT; NM_002755.3(MAP2K1):c.158T>C; NM_002755.4(MAP2K1):c.158T>C; short protein forms F53S.
Identifiers: ClinVar variation 13350 (VCV000013350.7), dbSNP rs121908594, ClinGen allele CA279966.